The following is an entry in ClinVar:

NM_021098.3(CACNA1H):c.4584C>T (p.Asn1528=)

Gene: CACNA1H (calcium voltage-gated channel subunit alpha1 H; plus strand). Cytogenetic location: 16p13.3.
Variant type: single nucleotide variant.
Coding change: c.4584C>T on transcript NM_021098.3 (MANE Select); coding-DNA position 4584, C replaced by T.
Protein change: p.Asn1528=; no amino-acid change (asparagine 1528 retained).
Molecular consequence: synonymous variant.
Genome position (GRCh38, 1-based): chr16:1,211,963, C>T. VCF-style: chr16-1211963-C-T. GRCh37 (hg19) VCF-style: chr16-1261963-C-T.
Other names: c.4584C>T, p.Asn1528= (NM_001005407.2).
Identifiers: ClinVar variation 707058 (VCV000707058.38), dbSNP rs200542719, ClinGen allele CA7801459.
Genomic context (GRCh38, chr16:1,211,963, plus strand): 5'-TGGCGGGGCAGGCGGGCGGGGACCCACCGCCTCTGTGCCACAGCCTGTGCAGAACCACAA[C>T]CCCTGGATGCTGCTGTACTTCATCTCCTTCCTGCTCATCGTCAGCTTCTTCGTGCTCAAC-3'
Protein context (NP_066921.2, residues 1518-1538): GVDQQPVQNH[Asn1528=]PWMLLYFISF

ClinVar aggregate classification (germline): Benign/Likely benign. Review status: criteria provided, multiple submitters, no conflicts (2 of 4 stars). 6 submissions from 6 submitters: Benign (2); Likely benign (3). 1 of the submissions does not count toward it. Last evaluated 2025-08-04.

Conditions:
Epilepsy, childhood absence, susceptibility to, 6. Identifiers: Orphanet 64280, MedGen C2749872, MONDO:0012763, OMIM 611942.
Hyperaldosteronism, familial, type IV (HALD4). Also called: FH IV; ALDOSTERONISM, PRIMARY, AND HYPERTENSION. Identifiers: Orphanet 642671, MedGen C4310756, MONDO:0014875, OMIM 617027.
CACNA1H-related disorder.
Idiopathic generalized epilepsy. Also called: EIG; Generalised epilepsy. Identifiers: MedGen C0270850, MONDO:0005579, OMIM 600669.

Allele frequency attached by ClinVar (database versions not stated): gnomAD exomes 0.00006 and 0.00015; ExAC 0.00022; gnomAD 0.00066 and 0.00072; TOPMed 0.00076; ESP Exome Variant Server 0.00078; 1000 Genomes Project 0.00080; 1000 Genomes Project 30x 0.00094.
gnomAD v4.1: 194 of 1,613,458 alleles (0.012%); highest among the groups gnomAD compares: African/African-American, 0.23%; no homozygotes.

Submissions (6):

Labcorp Genetics (formerly Invitae), Labcorp
Classification: Benign for Idiopathic generalized epilepsy; Hyperaldosteronism, familial, type IV. Last evaluated: 2025-08-04. Review status: criteria provided, single submitter. Criteria: Invitae Variant Classification Sherloc (09022015). Collection method: clinical testing. Allele origin: germline.

Blueprint Genetics
Classification: Likely benign. Last evaluated: 2024-08-21. Review status: criteria provided, single submitter. Criteria: ACMG Guidelines, 2015. Collection method: clinical testing. Allele origin: germline.

CeGaT Center for Human Genetics Tuebingen
Classification: Likely benign. Last evaluated: 2023-04-01. Review status: criteria provided, single submitter. Criteria: CeGaT Center For Human Genetics Tuebingen Variant Classification Criteria Version 2. Collection method: clinical testing. Allele origin: germline. Affected: yes. Observed: 1 variant allele.
Comment: CACNA1H: BP4, BP7

Fulgent Genetics
Classification: Likely benign for Epilepsy, childhood absence, susceptibility to, 6; Hyperaldosteronism, familial, type IV. Last evaluated: 2021-10-01. Review status: criteria provided, single submitter. Criteria: ACMG Guidelines, 2015. Collection method: clinical testing. Allele origin: unknown.

Athena Diagnostics
Classification: Benign. Last evaluated: 2018-11-20. Review status: criteria provided, single submitter. Criteria: Athena Diagnostics Criteria. Collection method: clinical testing. Allele origin: germline.

PreventionGenetics, part of Exact Sciences
Classification: Likely benign for CACNA1H-related condition. Last evaluated: 2021-05-13. Review status: no assertion criteria provided. Collection method: clinical testing. Allele origin: germline. Not counted in ClinVar's aggregate classification.
Comment: This variant is classified as likely benign based on ACMG/AMP sequence variant interpretation guidelines (Richards et al. 2015 PMID: 25741868, with internal and published modifications).